The following is an entry in ClinVar:

NM_001127671.2(LIFR):c.1863dup (p.Ala622fs)

Gene: LIFR (LIF receptor subunit alpha; minus strand). Cytogenetic location: 5p13.1.
Variant type: Duplication.
Coding change: c.1863dup on transcript NM_001127671.2 (MANE Select); coding-DNA position 1863, one base duplicated (A; older notation c.1863dupA).
Protein change: p.Ala622fs; shifts the reading frame from alanine 622.
Molecular consequence: frameshift variant.
Genome position (GRCh38, 1-based): chr5:38,496,404, T duplicated on the plus strand (A on the coding strand, the reverse complement: LIFR is on the minus strand). VCF-style (leftmost placement, unchanged base first): chr5-38496403-C-CT. GRCh37 (hg19) VCF-style: chr5-38496505-C-CT.
Other names: c.1863dup, p.Ala622fs (NM_001364297.2, NM_001364298.2, NM_002310.6); short protein forms A622fs.
Identifiers: ClinVar variation 4815019 (VCV004815019.1).

ClinVar aggregate classification (germline): Likely pathogenic (1 of 4 stars; one submission).

Conditions:
Stuve-Wiedemann syndrome (STWS). Also called: Stüve-Wiedemann syndrome. Identifiers: Orphanet 3206, MedGen C0796176, MONDO:0031280.

Submission:

Natera, Inc.
Classification: Likely pathogenic for Stuve-Wiedemann syndrome. Last evaluated: 2024-09-10. Review status: criteria provided, single submitter. Criteria: Natera Variant Classification Schema (03/2026). Collection method: clinical testing. Allele origin: germline.
Comment: The c.1863dup variant in LIFR is a frameshift variant predicted to shift the reading frame beginning at codon 622 and leads to a stop codon 8 codons downstream. This variant is expected to result in nonsense mediated decay, truncation, or a dysfunctional protein product. This variant is rare in the general population with a frequency below the threshold expected for the associated phenotype(s). Given the available evidence, this variant is classified as Likely Pathogenic.